The following is an entry in ClinVar:

ClinVar aggregate classification (germline): Uncertain significance (1 of 4 stars; one submission).

Conditions:
Arrhythmogenic right ventricular dysplasia 13. Also called: ARRHYTHMOGENIC RIGHT VENTRICULAR CARDIOMYOPATHY 13; Arrhythmogenic right ventricular dysplasia, familial, 13. Identifiers: MedGen C3810138, MONDO:0000908, OMIM 615616.

gnomAD v4.1: 36 of 1,613,582 alleles (0.0022%); highest among the groups gnomAD compares: Non-Finnish European, 0.003%; no homozygotes.

Submission:

Labcorp Genetics (formerly Invitae), Labcorp
Classification: Uncertain significance for Arrhythmogenic right ventricular dysplasia 13. Last evaluated: 2025-08-10. Review status: criteria provided, single submitter. Criteria: Invitae Variant Classification Sherloc (09022015). Collection method: clinical testing. Allele origin: germline.
Comment: This sequence change replaces methionine, which is neutral and non-polar, with isoleucine, which is neutral and non-polar, at codon 745 of the CTNNA3 protein (p.Met745Ile). This variant is present in population databases (rs781670995, gnomAD 0.002%). This variant has not been reported in the literature in individuals affected with CTNNA3-related conditions. ClinVar contains an entry for this variant (Variation ID: 3703365). Invitae Evidence Modeling of protein sequence and biophysical properties (such as structural, functional, and spatial information, amino acid conservation, physicochemical variation, residue mobility, and thermodynamic stability) indicates that this missense variant is not expected to disrupt CTNNA3 protein function with a negative predictive value of 80%. In summary, the available evidence is currently insufficient to determine the role of this variant in disease. Therefore, it has been classified as a Variant of Uncertain Significance.

NM_013266.4(CTNNA3):c.2235G>A (p.Met745Ile)

Gene: CTNNA3 (catenin alpha 3; minus strand). Cytogenetic location: 10q21.3.
Variant type: single nucleotide variant.
Coding change: c.2235G>A on transcript NM_013266.4 (MANE Select); coding-DNA position 2235, G replaced by A.
Protein change: p.Met745Ile; replaces methionine 745 with isoleucine.
Molecular consequence: missense variant.
Genome position (GRCh38, 1-based): chr10:65,988,722, C>T on the plus strand (G>A on the coding strand, the complement: CTNNA3 is on the minus strand). VCF-style: chr10-65988722-C-T. GRCh37 (hg19) VCF-style: chr10-67748480-C-T.
Other names: c.2235G>A, p.Met745Ile (NM_001127384.3); short protein forms M745I.
Identifiers: ClinVar variation 3703365 (VCV003703365.2).